The following is an entry in ClinVar:

NM_001128425.2(MUTYH):c.27T>A (p.Ser9Arg)

Genes: MUTYH (mutY DNA glycosylase; minus strand), TOE1 (target of EGR1, exonuclease; plus strand). Cytogenetic location: 1p34.1.
Variant type: single nucleotide variant.
Coding change: c.27T>A on transcript NM_001128425.2 (MANE Plus Clinical); coding-DNA position 27, T replaced by A.
Protein change: p.Ser9Arg; replaces serine 9 with arginine.
Molecular consequence: missense variant. On other transcripts: 5 prime UTR variant (8), non-coding transcript variant (3).
Genome position (GRCh38, 1-based): chr1:45,340,228, A>T on the plus strand (T>A on the coding strand, the complement: MUTYH is on the minus strand). VCF-style: chr1-45340228-A-T. GRCh37 (hg19) VCF-style: chr1-45805900-A-T.
Other names: c.-25A>T (NM_025077.4); c.-16T>A (NM_001048171.2); c.27T>A, p.Ser9Arg (NM_001293190.2, NM_001407069.1, NM_001407073.1 and 1 more transcripts); c.-228T>A (NM_001293192.2); c.-287T>A (NM_001350650.2); c.-223T>A (NM_001350651.2); c.-32T>A (NM_001407070.1, NM_001407071.1); c.-12T>A (NM_001407072.1); short protein forms S9R.
Identifiers: ClinVar variation 2843230 (VCV002843230.3), dbSNP rs2524698812, ClinGen allele CA340137852.

ClinVar aggregate classification (germline): Uncertain significance (1 of 4 stars; one submission).

Conditions:
Familial adenomatous polyposis 2. Also called: COLORECTAL ADENOMATOUS POLYPOSIS, AUTOSOMAL RECESSIVE; ADENOMAS, MULTIPLE COLORECTAL, AUTOSOMAL RECESSIVE; MYH-associated polyposis; MUTYH Polyposis; Adenomas, multiple colorectal; FAP type 2. Identifiers: Orphanet 220460, Orphanet 247798, MedGen C3272841, MONDO:0012041, OMIM 608456.

Submission:

Labcorp Genetics (formerly Invitae), Labcorp
Classification: Uncertain significance for Familial adenomatous polyposis 2. Last evaluated: 2023-03-07. Review status: criteria provided, single submitter. Criteria: Invitae Variant Classification Sherloc (09022015). Collection method: clinical testing. Allele origin: germline.
Comment: In summary, the available evidence is currently insufficient to determine the role of this variant in disease. Therefore, it has been classified as a Variant of Uncertain Significance. An algorithm developed to predict the effect of missense changes on protein structure and function (PolyPhen-2) suggests that this variant is likely to be disruptive. This variant has not been reported in the literature in individuals affected with MUTYH-related conditions. This variant is not present in population databases (gnomAD no frequency). This sequence change replaces serine, which is neutral and polar, with arginine, which is basic and polar, at codon 9 of the MUTYH protein (p.Ser9Arg).